The following is an entry in ClinVar:

ClinVar aggregate classification (germline): Uncertain significance (1 of 4 stars; one submission).

Conditions:
Craniosynostosis 2 (CRS2). Also called: Craniosynostosis Warman type; Craniosynostosis Boston type; Warman-Mulliken-Hayward syndrome. Identifiers: Orphanet 1541, MedGen C1858160, MONDO:0011481, OMIM 604757.

Submission:

Centre for Mendelian Genomics, University Medical Centre Ljubljana
Classification: Uncertain significance for Craniosynostosis 2. Last evaluated: 2019-05-24. Review status: criteria provided, single submitter. Criteria: ACMG Guidelines, 2015. Collection method: clinical testing. Allele origin: unknown. Affected: yes.
Comment: This variant was classified as: Uncertain significance. The available evidence on this variant's pathogenicity is insufficient or conflicting. The following ACMG criteria were applied in classifying this variant: PM2.

NM_002449.5(MSX2):c.698dup (p.Ser234fs)

Gene: MSX2 (msh homeobox 2; plus strand). Cytogenetic location: 5q35.2.
Variant type: Duplication.
Coding change: c.698dup on transcript NM_002449.5 (MANE Select); coding-DNA position 698, one base duplicated (C; older notation c.698dupC).
Protein change: p.Ser234fs; shifts the reading frame from serine 234.
Molecular consequence: frameshift variant. On other transcripts: 3 prime UTR variant (1).
Genome position (GRCh38, 1-based): chr5:174,729,477, C duplicated. VCF-style (leftmost placement, unchanged base first): chr5-174729476-G-GC. GRCh37 (hg19) VCF-style: chr5-174156479-G-GC.
Other names: c.*322dup (NM_001363626.2); short protein forms S234fs.
Identifiers: ClinVar variation 931029 (VCV000931029.3), dbSNP rs1760878980, ClinGen allele CA1139659269.
Genomic context (GRCh38, chr5:174,729,476, plus strand): 5'-AAACCTATGCTGCCCTCCAGCTTCAGTCTCCCTTTCCCCATCAGCTCGCCCCTGCAGGCA[G>GC]CGTCCATATATGGAGCATCCTACCCGTTCCATAGACCTGTGCTTCCCATCCCGCCTGTGG-3'